The following is an entry in ClinVar:

ClinVar aggregate classification (germline): Pathogenic. Review status: reviewed by expert panel (3 of 4 stars). 10 submissions from 10 submitters: Pathogenic (1). 9 of the submissions do not count toward it. Last evaluated 2017-03-17.

Conditions:
CFTR-related disorder (CFTR-RD). Also called: CFTR-related condition; CFTR-related disorders. Identifiers: MedGen C5924204, MONDO:7770004.
Bronchiectasis with or without elevated sweat chloride 1 (BESC1). Also called: Cystic Fibrosis-Like Syndrome. Identifiers: Orphanet 60033, MedGen C2749757, MONDO:0008887, OMIM 211400.
Cystic fibrosis (CF). Also called: MUCOVISCIDOSIS. Identifiers: Orphanet 586, MedGen C0010674, MONDO:0009061, OMIM 219700. Disease mechanism: loss of function.

Allele frequency attached by ClinVar (database versions not stated): TOPMed below 0.00001.

Submissions (10):

CFTR2
Classification: Pathogenic for Cystic fibrosis. Last evaluated: 2017-03-17. Review status: reviewed by expert panel. Criteria: Sosnay PR et al. (Nat Genet 2013). Collection method: research. Allele origin: germline. Affected: yes. Study: CFTR2.

PreventionGenetics, part of Exact Sciences
Classification: Pathogenic for CFTR-related condition. Last evaluated: 2024-12-26. Review status: criteria provided, single submitter. Criteria: ACMG Guidelines, 2015. Collection method: clinical testing. Allele origin: germline. Not counted in ClinVar's aggregate classification.
Comment: The CFTR c.1654C>T variant is predicted to result in premature protein termination (p.Gln552*). This variant has been reported in multiple individuals with cystic fibrosis and is associated with elevated sweat chloride levels, pancreatic insufficiency, and decreased lung function (Devoto et al. 1991. PubMed ID: 1709778, Sosnay et al. 2013. PubMed ID: 23974870). This variant has not been reported in a large population database (gnomAD), indicating this variant is rare. Nonsense variants in CFTR are expected to be pathogenic. This variant is interpreted as pathogenic.

Natera, Inc.
Classification: Pathogenic for CFTR-related disorders. Last evaluated: 2024-08-12. Review status: criteria provided, single submitter. Criteria: Natera Variant Classification Schema (03/2026). Collection method: clinical testing. Allele origin: germline. Not counted in ClinVar's aggregate classification.
Comment: The c.1654C>T variant in CFTR is a nonsense variant predicted to introduce a stop codon at amino acid 552. This variant is expected to result in nonsense mediated decay, truncation, or a dysfunctional protein product. This variant is rare in the general population with a frequency below the threshold expected for the associated phenotype(s). This variant has been observed in one or more individuals affected with the associated recessive disease, as either homozygous or compound heterozygous with a second variant (PMID: 21909392). Given the available evidence, this variant is classified as Pathogenic.

Baylor Genetics
Classification: Pathogenic for Bronchiectasis with or without elevated sweat chloride 1. Last evaluated: 2023-09-05. Review status: criteria provided, single submitter. Criteria: ACMG Guidelines, 2015. Collection method: clinical testing. Allele origin: unknown. Not counted in ClinVar's aggregate classification.

Ambry Genetics
Classification: Pathogenic for Cystic fibrosis. Last evaluated: 2022-07-27. Review status: criteria provided, single submitter. Criteria: Ambry Variant Classification Scheme 2023. Collection method: clinical testing. Allele origin: germline. Not counted in ClinVar's aggregate classification.
Comment: The p.Q552* pathogenic mutation (also known as c.1654C>T), located in coding exon 12 of the CFTR gene, results from a C to T substitution at nucleotide position 1654. This changes the amino acid from a glutamine to a stop codon within coding exon 12. In one study, this mutation was found in a patient with cystic fibrosis and pancreatic insufficiency (Devoto et al. Am J Hum Genet 1991;48: 1127). This pathogenic mutation is associated with elevated sweat chloride levels, pancreatic insufficiency, and decreased lung function (Sosnay PR et al. Nat Genet. 2013;45(10):1160-1167). In addition to the clinical data presented in the literature, this alteration is expected to result in loss of function by premature protein truncation or nonsense-mediated mRNA decay. As such, this alteration is interpreted as a disease-causing mutation.

Women's Health and Genetics/Laboratory Corporation of America, LabCorp
Classification: Pathogenic for Cystic fibrosis. Last evaluated: 2021-03-31. Review status: criteria provided, single submitter. Criteria: LabCorp Variant Classification Summary - May 2015. Collection method: clinical testing. Allele origin: germline. Not counted in ClinVar's aggregate classification.
Comment: Variant summary: CFTR c.1654C>T (p.Gln552X) results in a premature termination codon, predicted to cause a truncation of the encoded protein or absence of the protein due to nonsense mediated decay, which are commonly known mechanisms for disease. Truncations downstream of this position have been classified as pathogenic by our laboratory. The variant was absent in 250858 control chromosomes. c.1654C>T has been reported in the literature in multiple individuals affected with Cystic Fibrosis (example, Sosnay_2013). These data indicate that the variant is very likely to be associated with disease. To our knowledge, no experimental evidence demonstrating an impact on protein function has been reported. Two clinical diagnostic laboratories and an expert panel (CFTR2) have submitted clinical-significance assessments for this variant to ClinVar after 2014 without evidence for independent evaluation. All submitters classified the variant as pathogenic. Based on the evidence outlined above, the variant was classified as pathogenic.

Labcorp Genetics (formerly Invitae), Labcorp
Classification: Pathogenic for Cystic fibrosis. Last evaluated: 2019-11-22. Review status: criteria provided, single submitter. Criteria: Invitae Variant Classification Sherloc (09022015). Collection method: clinical testing. Allele origin: germline. Not counted in ClinVar's aggregate classification.
Comment: For these reasons, this variant has been classified as Pathogenic. Loss-of-function variants in CFTR are known to be pathogenic (PMID: 1695717, 7691345, 9725922). This variant has been observed in many individuals affected with cystic fibrosis (PMID: 1709778, 18456578, 23974870, 25910067). ClinVar contains an entry for this variant (Variation ID: 7201). This variant is not present in population databases (ExAC no frequency). This sequence change creates a premature translational stop signal (p.Gln552*) in the CFTR gene. It is expected to result in an absent or disrupted protein product.

Myriad Genetics, Inc.
Classification: Pathogenic for Cystic fibrosis. Last evaluated: 2019-11-12. Review status: criteria provided, single submitter. Criteria: Myriad Women's Health Autosomal Recessive and X-Linked Classification Criteria (2019). Collection method: clinical testing. Allele origin: unknown. Not counted in ClinVar's aggregate classification.
Comment: NM_000492.3(CFTR):c.1654C>T(Q552*) is classified as pathogenic in the context of cystic fibrosis and is associated with the classic form of disease. Sources cited for classification include the following: PMID 1709778, 7504969 and 23974870. Classification of NM_000492.3(CFTR):c.1654C>T(Q552*) is based on the following criteria: The variant causes a premature termination codon that is expected to be targeted by nonsense-mediated mRNA decay and is reported in individuals with the relevant phenotype. Please note: this variant was assessed in the context of healthy population screening.â€šÃ„Ã¶âˆšÃ‘âˆšÂ£

Mendelics
Classification: Pathogenic for Cystic fibrosis. Last evaluated: 2018-11-05. Review status: criteria provided, single submitter. Criteria: Mendelics Assertion Criteria 2017. Collection method: clinical testing. Allele origin: unknown. Affected: yes. Not counted in ClinVar's aggregate classification.

OMIM
Classification: Pathogenic for CYSTIC FIBROSIS. Last evaluated: 1993-01-01. Review status: no assertion criteria provided. Collection method: literature only. Allele origin: germline. Not counted in ClinVar's aggregate classification.

Literature cited by the submitters: PubMed 21909392 (cited by Natera, Inc.); PubMed 23974870 (cited by 3 submitters); PubMed 1695717 (cited by Labcorp Genetics (formerly Invitae), Labcorp); PubMed 7691345 (cited by Labcorp Genetics (formerly Invitae), Labcorp); PubMed 9725922 (cited by Labcorp Genetics (formerly Invitae), Labcorp); PubMed 1709778 (cited by Labcorp Genetics (formerly Invitae), Labcorp and Myriad Genetics, Inc.); PubMed 18456578 (cited by Labcorp Genetics (formerly Invitae), Labcorp); PubMed 25910067 (cited by Labcorp Genetics (formerly Invitae), Labcorp); PubMed 7504969 (cited by Myriad Genetics, Inc. and OMIM).

NM_000492.4(CFTR):c.1654C>T (p.Gln552Ter)

Genes: CFTR (CF transmembrane conductance regulator; plus strand), LOC111674475 (CFTR intron 11 enhancer; plus strand). Cytogenetic location: 7q31.2.
Variant type: single nucleotide variant.
Coding change: c.1654C>T on transcript NM_000492.4 (MANE Select); coding-DNA position 1654, C replaced by T.
Protein change: p.Gln552Ter; replaces glutamine 552 with a stop codon.
Molecular consequence: nonsense.
Genome position (GRCh38, 1-based): chr7:117,587,808, C>T. VCF-style: chr7-117587808-C-T. GRCh37 (hg19) VCF-style: chr7-117227862-C-T.
Other names: short protein forms Q552*.
Identifiers: ClinVar variation 7201 (VCV000007201.21), dbSNP rs76554633, ClinGen allele CA325585.